The following is an entry in ClinVar:

NM_001199397.3(NEK1):c.1634T>C (p.Met545Thr)

Gene: NEK1 (NIMA related kinase 1; minus strand). Cytogenetic location: 4q33.
Variant type: single nucleotide variant.
Coding change: c.1634T>C on transcript NM_001199397.3 (MANE Select); coding-DNA position 1634, T replaced by C.
Protein change: p.Met545Thr; replaces methionine 545 with threonine.
Molecular consequence: missense variant. On other transcripts: non-coding transcript variant (1).
Genome position (GRCh38, 1-based): chr4:169,537,840, A>G on the plus strand (T>C on the coding strand, the complement: NEK1 is on the minus strand). VCF-style: chr4-169537840-A-G. GRCh37 (hg19) VCF-style: chr4-170458991-A-G.
Other names: c.1502T>C, p.Met501Thr (NM_001199398.3, NM_001199400.3); c.1427T>C, p.Met476Thr (NM_001199399.3); c.1634T>C, p.Met545Thr (NM_001374418.1, NM_001374419.1, NM_012224.4); c.1583T>C, p.Met528Thr (NM_001374420.1); c.1508T>C, p.Met503Thr (NM_001374421.1); short protein forms M476T, M503T, M501T, M528T, M545T.
Identifiers: ClinVar variation 2715256 (VCV002715256.3), dbSNP rs760674667, ClinGen allele CA3137681.
Genomic context (GRCh38, chr4:169,537,840, plus strand): 5'-AAAATCTCAGAAACAAACAAAATTCATACCATATGTCCTTCGGCTCGAGCTTTATTCTGC[A>G]TAGCTTCCCGTTTTCGCTGCAGGAACTCTTCTACTTGTTTAGCTCTTTCTACAGCTAGCT-3'
Protein context (NP_001186326.1, residues 535-555): EEFLQRKREA[Met545Thr]QNKARAEGHM

ClinVar aggregate classification (germline): Uncertain significance (1 of 4 stars; one submission).

Conditions:
Short-rib thoracic dysplasia 6 with or without polydactyly (SRTD6). Also called: POLYDACTYLY WITH NEONATAL CHONDRODYSTROPHY, TYPE II; SHORT RIB-POLYDACTYLY SYNDROME, TYPE IIA; SHORT-RIB THORACIC DYSPLASIA 6 WITH POLYDACTYLY; SHORT-RIB THORACIC DYSPLASIA 6 WITHOUT POLYDACTYLY; Majewski Syndrome. Identifiers: MedGen C0024507, MONDO:0009894, OMIM 263520.

Allele frequency attached by ClinVar (database versions not stated): ExAC 0.00001.
gnomAD v4.1: 16 of 1,612,816 alleles (0.00099%); highest among the groups gnomAD compares: East Asian, 0.016%; no homozygotes.

Submission:

Labcorp Genetics (formerly Invitae), Labcorp
Classification: Uncertain significance for Short-rib thoracic dysplasia 6 with or without polydactyly. Last evaluated: 2024-08-12. Review status: criteria provided, single submitter. Criteria: Invitae Variant Classification Sherloc (09022015). Collection method: clinical testing. Allele origin: germline.
Comment: This sequence change replaces methionine, which is neutral and non-polar, with threonine, which is neutral and polar, at codon 545 of the NEK1 protein (p.Met545Thr). This variant is present in population databases (rs760674667, gnomAD 0.03%). This missense change has been observed in individual(s) with amyotrophic lateral sclerosis (PMID: 29650794, 36443167). Advanced modeling of protein sequence and biophysical properties (such as structural, functional, and spatial information, amino acid conservation, physicochemical variation, residue mobility, and thermodynamic stability) has been performed at Invitae for this missense variant, however the output from this modeling did not meet the statistical confidence thresholds required to predict the impact of this variant on NEK1 protein function. In summary, the available evidence is currently insufficient to determine the role of this variant in disease. Therefore, it has been classified as a Variant of Uncertain Significance.

Literature cited by the submitters: PubMed 29650794; PubMed 36443167.